The following is an entry in ClinVar:

ClinVar aggregate classification (germline): Uncertain significance. Review status: criteria provided, multiple submitters, no conflicts (2 of 4 stars). 2 submissions from 2 submitters: Uncertain significance (2). Last evaluated 2025-10-22.

Conditions:
TJP2-related disorder. Also called: TJP2-related condition.
Inborn genetic diseases. Identifiers: MedGen C0950123, MeSH D030342.

gnomAD v4.1: 6 of 1,591,890 alleles (0.00038%); highest among the groups gnomAD compares: Non-Finnish European, 0.00051%; no homozygotes.

Submissions (2):

PreventionGenetics, part of Exact Sciences
Classification: Uncertain significance for TJP2-related condition. Last evaluated: 2025-10-22. Review status: criteria provided, single submitter. Criteria: ACMG Guidelines, 2015. Collection method: clinical testing. Allele origin: germline.
Comment: The TJP2 c.892G>A variant is predicted to result in the amino acid substitution p.Glu298Lys. To our knowledge, this variant has not been reported in the literature. This variant is reported in 0.0012% of alleles in individuals of European (Non-Finnish) descent in gnomAD. At this time, the clinical significance of this variant is uncertain due to the absence of conclusive functional and genetic evidence.

Ambry Genetics
Classification: Uncertain significance for Inborn genetic diseases. Last evaluated: 2025-08-01. Review status: criteria provided, single submitter. Criteria: Ambry Variant Classification Scheme 2023. Collection method: clinical testing. Allele origin: germline.

NM_004817.4(TJP2):c.892G>A (p.Glu298Lys)

Gene: TJP2 (tight junction protein 2; plus strand). Cytogenetic location: 9q21.11.
Variant type: single nucleotide variant.
Coding change: c.892G>A on transcript NM_004817.4 (MANE Select); coding-DNA position 892, G replaced by A.
Protein change: p.Glu298Lys; replaces glutamic acid 298 with lysine.
Molecular consequence: missense variant.
Genome position (GRCh38, 1-based): chr9:69,221,436, G>A. VCF-style: chr9-69221436-G-A. GRCh37 (hg19) VCF-style: chr9-71836352-G-A.
Other names: c.823G>A, p.Glu275Lys (NM_001170414.2, NM_001369870.1, NM_001369871.1); c.904G>A, p.Glu302Lys (NM_001170415.1, NM_001369874.1, NM_001369875.1); c.985G>A, p.Glu329Lys (NM_001170416.2); c.892G>A, p.Glu298Lys (NM_001369872.1, NM_001369873.1, NM_201629.3); short protein forms E275K, E298K, E302K, E329K.
Identifiers: ClinVar variation 4184872 (VCV004184872.2).